The following is an entry in ClinVar:

NM_016617.4(UFM1):c.59+112C>T

Gene: UFM1 (ubiquitin fold modifier 1; plus strand). Cytogenetic location: 13q13.3.
Variant type: single nucleotide variant.
Coding change: c.59+112C>T on transcript NM_016617.4 (MANE Select); 112 bases into the intron after coding-DNA position 59, C replaced by T.
Molecular consequence: intron variant. On other transcripts: missense variant (1).
Genome position (GRCh38, 1-based): chr13:38,350,167, C>T. VCF-style: chr13-38350167-C-T. GRCh37 (hg19) VCF-style: chr13-38924304-C-T.
Other names: c.53C>T, p.Ser18Leu (NM_001286704.2); c.59+112C>T (NM_001286705.2, NM_001286703.2, NM_001286706.2); short protein forms S18L.
Identifiers: ClinVar variation 2121886 (VCV002121886.4), dbSNP rs1878762460, ClinGen allele CA387996925.
Genomic context (GRCh38, chr13:38,350,167, plus strand): 5'-GGTTGGGGATGATCCGAGCTTTTCCAACAACTACCCCACGCAGTCTTCATCTCTTCACTT[C>T]ATCTACTTTCCTGGCTCGCGCCCTTCCAGGAGCCTTTCCCACCGGAGCCTGCGAGGAGAG-3'

ClinVar aggregate classification (germline): Uncertain significance (1 of 4 stars; one submission).

Allele frequency attached by ClinVar (database versions not stated): TOPMed below 0.00001; gnomAD exomes 0.00001.
gnomAD v4.1: 5 of 1,614,092 alleles (0.00031%); highest among the groups gnomAD compares: East Asian, 0.011%; no homozygotes.

Submission:

Labcorp Genetics (formerly Invitae), Labcorp
Classification: Uncertain significance. Last evaluated: 2023-08-04. Review status: criteria provided, single submitter. Criteria: Invitae Variant Classification Sherloc (09022015). Collection method: clinical testing. Allele origin: germline.
Comment: This variant has not been reported in the literature in individuals affected with UFM1-related conditions. This variant is not present in population databases (gnomAD no frequency). ClinVar contains an entry for this variant (Variation ID: 2121886). In summary, the available evidence is currently insufficient to determine the role of this variant in disease. Therefore, it has been classified as a Variant of Uncertain Significance. An algorithm developed to predict the effect of missense changes on protein structure and function (PolyPhen-2) suggests that this variant is likely to be tolerated. This sequence change replaces serine, which is neutral and polar, with leucine, which is neutral and non-polar, at codon 18 of the UFM1 protein (p.Ser18Leu).